The following is an entry in ClinVar:

NM_001267550.2(TTN):c.28313G>A (p.Arg9438Gln)

Gene: TTN (titin; minus strand). Cytogenetic location: 2q31.2.
Variant type: single nucleotide variant.
Coding change: c.28313G>A on transcript NM_001267550.2 (MANE Select); coding-DNA position 28313, G replaced by A.
Protein change: p.Arg9438Gln; replaces arginine 9438 with glutamine.
Molecular consequence: missense variant. On other transcripts: intron variant (3).
Genome position (GRCh38, 1-based): chr2:178,710,784, C>T on the plus strand (G>A on the coding strand, the complement: TTN is on the minus strand). VCF-style: chr2-178710784-C-T. GRCh37 (hg19) VCF-style: chr2-179575511-C-T.
Other names: p.R9121Q:CGA>CAA; c.13282+27298G>A (NM_003319.4); c.13858+27298G>A (NM_133437.4); c.13657+27298G>A (NM_133432.3); c.27362G>A, p.Arg9121Gln (NM_001256850.1); c.24581G>A, p.Arg8194Gln (NM_133378.4); short protein forms R9438Q, R8194Q, R9121Q.
Identifiers: ClinVar variation 46808 (VCV000046808.45), dbSNP rs72648998, ClinGen allele CA283031.

ClinVar aggregate classification (germline): Benign/Likely benign. Review status: criteria provided, multiple submitters, no conflicts (2 of 4 stars). 28 submissions from 21 submitters: Benign (20); Likely benign (3). 5 of the submissions do not count toward it. Last evaluated 2026-02-04.

Conditions:
Cardiovascular phenotype. Identifiers: MedGen CN230736.
Autosomal recessive limb-girdle muscular dystrophy type 2J (LGMDR10). Also called: Limb-girdle muscular dystrophy, type 2J; MUSCULAR DYSTROPHY, LIMB-GIRDLE, AUTOSOMAL RECESSIVE 10. Identifiers: Orphanet 140922, MedGen C1837342, MONDO:0012127, OMIM 608807.
Dilated cardiomyopathy 1G (CMD1G). Identifiers: Orphanet 154, MedGen C1858763, MONDO:0011400, OMIM 604145.
Early-onset myopathy with fatal cardiomyopathy (CMYO5). Also called: Salih Myopathy; CONGENITAL MYOPATHY 5 WITH CARDIOMYOPATHY. Identifiers: Orphanet 289377, MedGen C2673677, MONDO:0012714, OMIM 611705. Disease mechanism: loss of function.
Myopathy, myofibrillar, 9, with early respiratory failure (MFM9). Also called: Hereditary myopathy with early respiratory failure; EDSTROM MYOPATHY; MYOPATHY, PROXIMAL, WITH EARLY RESPIRATORY MUSCLE INVOLVEMENT; Myopathy, distal, with early respiratory failure, autosomal dominant. Identifiers: Orphanet 178464, Orphanet 34521, MedGen C1863599, MONDO:0011362, OMIM 603689.
Tibial muscular dystrophy (TMD). Also called: UDD MYOPATHY; Udd Distal Myopathy – Tibial Muscular Dystrophy; Tibial muscular dystrophy, tardive. Identifiers: Orphanet 609, MedGen C1838244, MONDO:0010870, OMIM 600334.

Allele frequency attached by ClinVar (database versions not stated): 1000 Genomes Project 0.02736; 1000 Genomes Project 30x 0.02795; gnomAD 0.04030 and 0.04075; ESP Exome Variant Server 0.04320; ExAC 0.04512; TOPMed 0.04513; gnomAD exomes 0.04818 and 0.05575.
gnomAD v4.1: 87,491 of 1,613,878 alleles (5.4%); highest among the groups gnomAD compares: Admixed American, 8.4%; 2,698 homozygotes.

Submissions (28):

Labcorp Genetics (formerly Invitae), Labcorp
Classification: Benign for Dilated cardiomyopathy 1G; Autosomal recessive limb-girdle muscular dystrophy type 2J. Last evaluated: 2026-02-04. Review status: criteria provided, single submitter. Criteria: Invitae Variant Classification Sherloc (09022015). Collection method: clinical testing. Allele origin: germline.

Molecular Diagnostic Laboratory for Inherited Cardiovascular Disease, Montreal Heart Institute
Classification: Benign. Last evaluated: 2025-04-09. Review status: criteria provided, single submitter. Criteria: ACMG Guidelines, 2015. Collection method: clinical testing. Allele origin: germline. Affected: no.

Blueprint Genetics
Classification: Benign. Last evaluated: 2024-11-26. Review status: criteria provided, single submitter. Criteria: ACMG Guidelines, 2015. Collection method: clinical testing. Allele origin: germline.

Genetic Services Laboratory, University of Chicago
Classification: Benign. Last evaluated: 2021-12-14. Review status: criteria provided, single submitter. Criteria: ACMG Guidelines, 2015. Collection method: clinical testing. Allele origin: germline. Affected: no.

Genome-Nilou Lab
Classification: Benign for Autosomal recessive limb-girdle muscular dystrophy type 2J. Last evaluated: 2021-09-10. Review status: criteria provided, single submitter. Criteria: ACMG Guidelines, 2015. Collection method: clinical testing. Allele origin: germline. Affected: no.

Genome-Nilou Lab
Classification: Benign for Myopathy, myofibrillar, 9, with early respiratory failure. Last evaluated: 2021-09-10. Review status: criteria provided, single submitter. Criteria: ACMG Guidelines, 2015. Collection method: clinical testing. Allele origin: germline. Affected: no.

Genome-Nilou Lab
Classification: Benign for Early-onset myopathy with fatal cardiomyopathy. Last evaluated: 2021-09-10. Review status: criteria provided, single submitter. Criteria: ACMG Guidelines, 2015. Collection method: clinical testing. Allele origin: germline. Affected: no.

Genome-Nilou Lab
Classification: Benign for Tibial muscular dystrophy. Last evaluated: 2021-09-10. Review status: criteria provided, single submitter. Criteria: ACMG Guidelines, 2015. Collection method: clinical testing. Allele origin: germline. Affected: no.

Women's Health and Genetics/Laboratory Corporation of America, LabCorp
Classification: Likely benign. Last evaluated: 2020-10-08. Review status: criteria provided, single submitter. Criteria: LabCorp Variant Classification Summary - May 2015. Collection method: clinical testing. Allele origin: germline.

Athena Diagnostics
Classification: Benign. Last evaluated: 2018-12-17. Review status: criteria provided, single submitter. Criteria: Athena Diagnostics Criteria. Collection method: clinical testing. Allele origin: germline.

Eurofins Ntd Llc (ga)
Classification: Benign. Last evaluated: 2018-08-10. Review status: criteria provided, single submitter. Criteria: EGL ClinVar v180209 classification definitions. Collection method: clinical testing. Allele origin: germline. Observed: 3 variant alleles, 3 heterozygotes.

Illumina Laboratory Services, Illumina
Classification: Benign for Myopathy, myofibrillar, 9, with early respiratory failure. Last evaluated: 2018-01-12. Review status: criteria provided, single submitter. Criteria: ICSL Variant Classification Criteria 13 December 2019. Collection method: clinical testing. Allele origin: germline.
Comment: This variant was observed in the ICSL laboratory as part of a predisposition screen in an ostensibly healthy population. It had not been previously curated by ICSL or reported in the Human Gene Mutation Database (HGMD: prior to June 1st, 2018), and was therefore a candidate for classification through an automated scoring system. Utilizing variant allele frequency, disease prevalence and penetrance estimates, and inheritance mode, an automated score was calculated to assess if this variant is too frequent to cause the disease. Based on the score and internal cut-off values, a variant classified as benign is not then subjected to further curation. The score for this variant resulted in a classification of benign for this disease.

Illumina Laboratory Services, Illumina
Classification: Benign for Early-onset myopathy with fatal cardiomyopathy. Last evaluated: 2018-01-12. Review status: criteria provided, single submitter. Criteria: ICSL Variant Classification Criteria 13 December 2019. Collection method: clinical testing. Allele origin: germline.
Comment: the same text as in the submission from Illumina Laboratory Services, Illumina above.

Illumina Laboratory Services, Illumina
Classification: Benign for Autosomal recessive limb-girdle muscular dystrophy type 2J. Last evaluated: 2018-01-12. Review status: criteria provided, single submitter. Criteria: ICSL Variant Classification Criteria 13 December 2019. Collection method: clinical testing. Allele origin: germline.
Comment: the same text as in the submission from Illumina Laboratory Services, Illumina above.

Illumina Laboratory Services, Illumina
Classification: Benign for Tibial muscular dystrophy. Last evaluated: 2018-01-12. Review status: criteria provided, single submitter. Criteria: ICSL Variant Classification Criteria 13 December 2019. Collection method: clinical testing. Allele origin: germline.
Comment: the same text as in the submission from Illumina Laboratory Services, Illumina above.

Illumina Laboratory Services, Illumina
Classification: Likely benign for Dilated cardiomyopathy 1G. Last evaluated: 2018-01-12. Review status: criteria provided, single submitter. Criteria: ICSL Variant Classification Criteria 13 December 2019. Collection method: clinical testing. Allele origin: germline.
Comment: This variant was observed in the ICSL laboratory as part of a predisposition screen in an ostensibly healthy population. It had not been previously curated by ICSL or reported in the Human Gene Mutation Database (HGMD: prior to June 1st, 2018), and was therefore a candidate for classification through an automated scoring system. Utilizing variant allele frequency, disease prevalence and penetrance estimates, and inheritance mode, an automated score was calculated to assess if this variant is too frequent to cause the disease. Based on the score and internal cut-off values, a variant classified as likely benign is not then subjected to further curation. The score for this variant resulted in a classification of likely benign for this disease.

Mayo Clinic Laboratories, Mayo Clinic
Classification: Benign. Last evaluated: 2017-10-04. Review status: criteria provided, single submitter. Criteria: ACMG Guidelines, 2015. Collection method: clinical testing. Allele origin: germline. Observed: 234 variant alleles.

Biesecker Lab/Clinical Genomics Section, National Institutes of Health
Classification: Benign. Last evaluated: 2013-06-24. Review status: criteria provided, single submitter. Criteria: Ng et al. (Circ Cardiovasc Genet. 2013). Collection method: research. Allele origin: unknown. Observed: 50 variant alleles. Study: ClinSeq.
Comment: The study set was not selected for affection status in relation to any cancer. Pathogenicity categories were based on literature curation. See Pubmed ID:23861362 for details.

Medical sequencing

GeneDx
Classification: Benign. Last evaluated: 2012-11-07. Review status: criteria provided, single submitter. Criteria: GeneDx Variant Classification (06012015). Collection method: clinical testing. Allele origin: germline. Affected: yes.
Comment: This variant is considered likely benign or benign based on one or more of the following criteria: it is a conservative change, it occurs at a poorly conserved position in the protein, it is predicted to be benign by multiple in silico algorithms, and/or has population frequency not consistent with disease.

Ambry Genetics
Classification: Benign for Cardiovascular phenotype. Last evaluated: 2012-08-15. Review status: criteria provided, single submitter. Criteria: Ambry Autosomal Dominant and X-Linked criteria (10/2015). Collection method: clinical testing. Allele origin: germline. Observed: 1 variant allele.

Laboratory for Molecular Medicine, Mass General Brigham Personalized Medicine
Classification: Benign. Last evaluated: 2012-05-15. Review status: criteria provided, single submitter. Criteria: LMM Criteria. Collection method: clinical testing. Allele origin: germline. Observed: 168 variant alleles.
Comment: Arg8194Gln in exon 95 of TTN: This variant is not expected to have clinical sign ificance because it has been identified in 5.8% (391/6758) of European American chromosomes from a broad population by the NHLBI Exome Sequencing Project (dbSNP rs72648998).

Breakthrough Genomics
Classification: Likely benign. Review status: criteria provided, single submitter. Criteria: ACMG Guidelines, 2015. Collection method: not provided. Allele origin: germline. Inheritance: Autosomal recessive inheritance. Affected: yes.

PreventionGenetics, part of Exact Sciences
Classification: Benign. Review status: criteria provided, single submitter. Criteria: ACMG Guidelines, 2015. Collection method: clinical testing. Allele origin: germline.

Clinical Genetics DNA and cytogenetics Diagnostics Lab, Erasmus MC, Erasmus Medical Center
Classification: Benign. Review status: no assertion criteria provided. Collection method: clinical testing. Allele origin: germline. Affected: yes. Study: VKGL Data-share Consensus. Not counted in ClinVar's aggregate classification.

Clinical Genetics, Academic Medical Center
Classification: Benign. Review status: no assertion criteria provided. Collection method: clinical testing. Allele origin: germline. Affected: yes. Study: VKGL Data-share Consensus. Not counted in ClinVar's aggregate classification.

Genome Diagnostics Laboratory, University Medical Center Utrecht
Classification: Benign. Review status: no assertion criteria provided. Collection method: clinical testing. Allele origin: germline. Affected: yes. Study: VKGL Data-share Consensus. Not counted in ClinVar's aggregate classification.

Joint Genome Diagnostic Labs from Nijmegen and Maastricht, Radboudumc and MUMC+
Classification: Benign. Review status: no assertion criteria provided. Collection method: clinical testing. Allele origin: germline. Affected: yes. Study: VKGL Data-share Consensus. Not counted in ClinVar's aggregate classification.

Laboratory of Diagnostic Genome Analysis, Leiden University Medical Center (LUMC)
Classification: Benign. Review status: no assertion criteria provided. Collection method: clinical testing. Allele origin: germline. Affected: yes. Study: VKGL Data-share Consensus. Not counted in ClinVar's aggregate classification.